The following is an entry in ClinVar:

ClinVar aggregate classification (germline): Uncertain significance. Review status: criteria provided, multiple submitters, no conflicts (2 of 4 stars). 3 submissions from 3 submitters: Uncertain significance (3). Last evaluated 2025-09-19.

Conditions:
Familial adenomatous polyposis 1 (FAP1). Also called: POLYPOSIS, ADENOMATOUS INTESTINAL; FAMILIAL ADENOMATOUS POLYPOSIS 1, ATTENUATED. Identifiers: MedGen C2713442, MONDO:0021056, OMIM 175100. Disease mechanism: loss of function.
Hereditary cancer-predisposing syndrome. Also called: Neoplastic Syndromes, Hereditary; Hereditary Cancer Syndrome; Tumor predisposition; Hereditary neoplastic syndrome. Identifiers: Orphanet 140162, MedGen C0027672, MeSH D009386, MONDO:0015356.

Allele frequency attached by ClinVar (database versions not stated): TOPMed below 0.00001.

Submissions (3):

Ambry Genetics
Classification: Uncertain significance for Hereditary cancer-predisposing syndrome. Last evaluated: 2025-09-19. Review status: criteria provided, single submitter. Criteria: Ambry Variant Classification Scheme 2023. Collection method: clinical testing. Allele origin: germline.
Comment: The p.M701T variant (also known as c.2102T>C), located in coding exon 15 of the APC gene, results from a T to C substitution at nucleotide position 2102. The methionine at codon 701 is replaced by threonine, an amino acid with similar properties. This amino acid position is conserved. In addition, in silico predictors for this gene do not accurately predict pathogenicity. Based on the available evidence, the clinical significance of this variant remains unclear.

Baylor Genetics
Classification: Uncertain significance for Familial adenomatous polyposis 1. Last evaluated: 2023-05-04. Review status: criteria provided, single submitter. Criteria: ACMG Guidelines, 2015. Collection method: clinical testing. Allele origin: unknown.

Labcorp Genetics (formerly Invitae), Labcorp
Classification: Uncertain significance for Familial adenomatous polyposis 1. Last evaluated: 2021-08-27. Review status: criteria provided, single submitter. Criteria: Invitae Variant Classification Sherloc (09022015). Collection method: clinical testing. Allele origin: germline.
Comment: In summary, the available evidence is currently insufficient to determine the role of this variant in disease. Therefore, it has been classified as a Variant of Uncertain Significance. Algorithms developed to predict the effect of missense changes on protein structure and function (SIFT, PolyPhen-2, Align-GVGD) all suggest that this variant is likely to be disruptive. ClinVar contains an entry for this variant (Variation ID: 854850). This variant has not been reported in the literature in individuals affected with APC-related conditions. This variant is not present in population databases (ExAC no frequency). This sequence change replaces methionine with threonine at codon 701 of the APC protein (p.Met701Thr). The methionine residue is highly conserved and there is a moderate physicochemical difference between methionine and threonine.

NM_000038.6(APC):c.2102T>C (p.Met701Thr)

Gene: APC (APC regulator of Wnt signaling pathway; plus strand). Cytogenetic location: 5q22.2.
Variant type: single nucleotide variant.
Coding change: c.2102T>C on transcript NM_000038.6 (MANE Select); coding-DNA position 2102, T replaced by C.
Protein change: p.Met701Thr; replaces methionine 701 with threonine.
Molecular consequence: missense variant.
Genome position (GRCh38, 1-based): chr5:112,837,696, T>C. VCF-style: chr5-112837696-T-C. GRCh37 (hg19) VCF-style: chr5-112173393-T-C.
Other names: c.2102T>C, p.Met701Thr (NM_001127510.3, NM_001354895.2); c.2048T>C, p.Met683Thr (NM_001127511.3); c.2156T>C, p.Met719Thr (NM_001354896.2); c.2132T>C, p.Met711Thr (NM_001354897.2); c.2027T>C, p.Met676Thr (NM_001354898.2); c.2018T>C, p.Met673Thr (NM_001354899.2); c.1979T>C, p.Met660Thr (NM_001354900.2); c.1925T>C, p.Met642Thr (NM_001354901.2); and 5 more; short protein forms M600T, M676T, M418T, M642T, M701T, M575T, M673T, M683T.
Identifiers: ClinVar variation 854850 (VCV000854850.13), dbSNP rs956948518, ClinGen allele CA16025925.
Genomic context (GRCh38, chr5:112,837,696, plus strand): 5'-GTGGAACTTTGTGGAATCTCTCAGCAAGAAATCCTAAAGACCAGGAAGCATTATGGGACA[T>C]GGGGGCAGTTAGCATGCTCAAGAACCTCATTCATTCAAAGCACAAAATGATTGCTATGGG-3'
Protein context (NP_000029.2, residues 691-711): NPKDQEALWD[Met701Thr]GAVSMLKNLI